The following is an entry in ClinVar:

ClinVar aggregate classification (germline): Uncertain significance. Review status: criteria provided, multiple submitters, no conflicts (2 of 4 stars). 3 submissions from 3 submitters: Uncertain significance (3). Last evaluated 2025-10-25.

Conditions:
Hereditary cancer-predisposing syndrome. Also called: Neoplastic Syndromes, Hereditary; Tumor predisposition; Hereditary Cancer Syndrome; Hereditary neoplastic syndrome. Identifiers: Orphanet 140162, MedGen C0027672, MeSH D009386, MONDO:0015356.
Ataxia-telangiectasia syndrome (AT). Also called: ATAXIA-TELANGIECTASIA, COMPLEMENTATION GROUP A; ATAXIA-TELANGIECTASIA, FRESNO VARIANT; Ataxia-telangiectasia; Ataxia-telangiectasia, complementation group D; AT, COMPLEMENTATION GROUP C; Ataxia-telangiectasia, complementation group E. Identifiers: Orphanet 100, MedGen C0004135, MONDO:0008840, OMIM 208900.

Allele frequency attached by ClinVar (database versions not stated): gnomAD exomes below 0.00001; TOPMed below 0.00001; gnomAD 0.00001.
gnomAD v4.1: 3 of 1,613,718 alleles (0.00019%); highest among the groups gnomAD compares: Non-Finnish European, 0.00025%; no homozygotes.

Submissions (3):

Labcorp Genetics (formerly Invitae), Labcorp
Classification: Uncertain significance for Ataxia-telangiectasia syndrome. Last evaluated: 2025-10-25. Review status: criteria provided, single submitter. Criteria: Invitae Variant Classification Sherloc (09022015). Collection method: clinical testing. Allele origin: germline.
Comment: This sequence change replaces histidine, which is basic and polar, with tyrosine, which is neutral and polar, at codon 1516 of the ATM protein (p.His1516Tyr). This variant is not present in population databases (gnomAD no frequency). This variant has not been reported in the literature in individuals affected with ATM-related conditions. ClinVar contains an entry for this variant (Variation ID: 524266). Invitae Evidence Modeling of protein sequence and biophysical properties (such as structural, functional, and spatial information, amino acid conservation, physicochemical variation, residue mobility, and thermodynamic stability) indicates that this missense variant is not expected to disrupt ATM protein function with a negative predictive value of 95%. In summary, the available evidence is currently insufficient to determine the role of this variant in disease. Therefore, it has been classified as a Variant of Uncertain Significance.

Ambry Genetics
Classification: Uncertain significance for Hereditary cancer-predisposing syndrome. Last evaluated: 2024-08-30. Review status: criteria provided, single submitter. Criteria: Ambry Variant Classification Scheme 2023. Collection method: clinical testing. Allele origin: germline.
Comment: The p.H1516Y variant (also known as c.4546C>T), located in coding exon 29 of the ATM gene, results from a C to T substitution at nucleotide position 4546. The histidine at codon 1516 is replaced by tyrosine, an amino acid with similar properties. This amino acid position is highly conserved in available vertebrate species. In addition, this alteration is predicted to be deleterious by in silico analysis. Based on the available evidence, the clinical significance of this variant remains unclear.

Color Diagnostics, LLC DBA Color Health
Classification: Uncertain significance for Hereditary cancer-predisposing syndrome. Last evaluated: 2024-03-07. Review status: criteria provided, single submitter. Criteria: ACMG Guidelines, 2015. Collection method: clinical testing. Allele origin: germline.
Comment: This missense variant replaces histidine with tyrosine at codon 1516 of the ATM protein. Computational prediction is inconclusive regarding the impact of this variant on protein structure and function (internally defined REVEL score threshold 0.5 < inconclusive < 0.7, PMID: 27666373). To our knowledge, functional studies have not been reported for this variant. This variant has not been reported in individuals affected with hereditary cancer in the literature. This variant has not been identified in the general population by the Genome Aggregation Database (gnomAD). The available evidence is insufficient to determine the role of this variant in disease conclusively. Therefore, this variant is classified as a Variant of Uncertain Significance.

NM_000051.4(ATM):c.4546C>T (p.His1516Tyr)

Gene: ATM (ATM serine/threonine kinase; plus strand). Cytogenetic location: 11q22.3.
Variant type: single nucleotide variant.
Coding change: c.4546C>T on transcript NM_000051.4 (MANE Select); coding-DNA position 4546, C replaced by T.
Protein change: p.His1516Tyr; replaces histidine 1516 with tyrosine.
Molecular consequence: missense variant.
Genome position (GRCh38, 1-based): chr11:108,292,728, C>T. VCF-style: chr11-108292728-C-T. GRCh37 (hg19) VCF-style: chr11-108163455-C-T.
Other names: c.4546C>T, p.His1516Tyr (NM_001351834.2); short protein forms H1516Y.
Identifiers: ClinVar variation 524266 (VCV000524266.15), dbSNP rs1389372050, ClinGen allele CA382533796.
Genomic context (GRCh38, chr11:108,292,728, plus strand): 5'-GACTTATTAAGTCAGGTTTGCCAGACAGCCGTGACTTACTGTAAGGATGCTCTAGAAAAC[C>T]ATCTTCATGTTATTGTTGGTACACTTATACCCCTTGTGTATGAGCAGGTGGAGGTTCAGA-3'
Protein context (NP_000042.3, residues 1506-1526): VTYCKDALEN[His1516Tyr]LHVIVGTLIP